The following is an entry in ClinVar:

ClinVar aggregate classification (germline): Uncertain significance (1 of 4 stars; one submission).

Conditions:
ANKS6-related disorder. Also called: ANKS6-related condition.

gnomAD v4.1: 46 of 1,613,710 alleles (0.0029%); highest among the groups gnomAD compares: Admixed American, 0.022%; no homozygotes.

Submission:

PreventionGenetics, part of Exact Sciences
Classification: Uncertain significance for ANKS6-related condition. Last evaluated: 2026-01-05. Review status: criteria provided, single submitter. Criteria: ACMG Guidelines, 2015. Collection method: clinical testing. Allele origin: germline.
Comment: The ANKS6 c.1360G>A variant is predicted to result in the amino acid substitution p.Gly454Arg. To our knowledge, this variant has not been reported in the literature. This variant is reported in 0.034% of alleles in individuals of Latino descent in gnomAD. At this time, the clinical significance of this variant is uncertain due to the absence of conclusive functional and genetic evidence.

NM_173551.5(ANKS6):c.1360G>A (p.Gly454Arg)

Gene: ANKS6 (ankyrin repeat and sterile alpha motif domain containing 6; minus strand). Cytogenetic location: 9q22.33.
Variant type: single nucleotide variant.
Coding change: c.1360G>A on transcript NM_173551.5 (MANE Select); coding-DNA position 1360, G replaced by A.
Protein change: p.Gly454Arg; replaces glycine 454 with arginine.
Molecular consequence: missense variant.
Genome position (GRCh38, 1-based): chr9:98,780,197, C>T on the plus strand (G>A on the coding strand, the complement: ANKS6 is on the minus strand). VCF-style: chr9-98780197-C-T. GRCh37 (hg19) VCF-style: chr9-101542479-C-T.
Other names: short protein forms G454R.
Identifiers: ClinVar variation 4978961 (VCV004978961.1).